The following is an entry in ClinVar:

ClinVar aggregate classification (germline): Conflicting classifications of pathogenicity. Review status: criteria provided, conflicting classifications (1 of 4 stars). 2 submissions from 2 submitters: Uncertain significance (1); Likely benign (1). Last evaluated 2025-04-17.

Conditions:
RPGR-related disorder. Also called: RPGR-related condition.
Primary ciliary dyskinesia. Also called: Ciliary dyskinesia. Identifiers: Orphanet 244, MedGen C0008780, MONDO:0016575, HP:0012265.

Allele frequency attached by ClinVar (database versions not stated): gnomAD exomes 0.00001; gnomAD 0.00005 and 0.00006; TOPMed 0.00012.
gnomAD v4.1: 12 of 1,208,655 alleles (0.00099%); highest among the groups gnomAD compares: Admixed American, 0.024%; no homozygotes.

Submissions (2):

Labcorp Genetics (formerly Invitae), Labcorp
Classification: Likely benign for Primary ciliary dyskinesia. Last evaluated: 2025-04-17. Review status: criteria provided, single submitter. Criteria: Invitae Variant Classification Sherloc (09022015). Collection method: clinical testing. Allele origin: germline.

PreventionGenetics, part of Exact Sciences
Classification: Uncertain significance for RPGR-related condition. Last evaluated: 2025-04-10. Review status: criteria provided, single submitter. Criteria: ACMG Guidelines, 2015. Collection method: clinical testing. Allele origin: germline.
Comment: The RPGR c.1630A>G variant is predicted to result in the amino acid substitution p.Ser544Gly. This variant has been reported in two individuals with high myopia (Zhou et al. 2018. PubMed ID: 29453956; Yang et al. 2021. PubMed ID: 34745198). This variant is reported in 0.0072% of alleles in individuals of East Asian descent and in the hemizygous state in another individual in gnomAD. At this time, the clinical significance of this variant is uncertain due to the absence of conclusive functional and genetic evidence.

NM_001034853.2(RPGR):c.1630A>G (p.Ser544Gly)

Gene: RPGR (retinitis pigmentosa GTPase regulator; minus strand). Cytogenetic location: Xp11.4.
Variant type: single nucleotide variant.
Coding change: c.1630A>G on transcript NM_001034853.2 (MANE Select); coding-DNA position 1630, A replaced by G.
Protein change: p.Ser544Gly; replaces serine 544 with glycine.
Molecular consequence: missense variant. On other transcripts: non-coding transcript variant (1), intron variant (5).
Genome position (GRCh38, 1-based): chrX:38,287,984, T>C on the plus strand (A>G on the coding strand, the complement: RPGR is on the minus strand). VCF-style: chrX-38287984-T-C. GRCh37 (hg19) VCF-style: chrX-38147237-T-C.
Other names: c.1630A>G, p.Ser544Gly (NM_000328.3); c.1627A>G, p.Ser543Gly (NM_001367245.1); c.1444A>G, p.Ser482Gly (NM_001367246.1); c.1569+2975A>G (NM_001367249.1, NM_001367250.1); c.1386+2975A>G (NM_001367251.1); c.1572+2975A>G (NM_001367247.1); c.1602+2975A>G (NM_001367248.1); c.1630A>G (NM_001034853.1); short protein forms S544G, S482G, S543G.
Identifiers: ClinVar variation 237682 (VCV000237682.10), dbSNP rs878853953, ClinGen allele CA10583951.